The following is an entry in ClinVar:

ClinVar aggregate classification (germline): Uncertain significance (1 of 4 stars; one submission).

gnomAD v4.1: 5 of 1,529,336 alleles (0.00033%); highest among the groups gnomAD compares: Admixed American, 0.002%; no homozygotes.

Submission:

Labcorp Genetics (formerly Invitae), Labcorp
Classification: Uncertain significance. Last evaluated: 2024-03-16. Review status: criteria provided, single submitter. Criteria: Invitae Variant Classification Sherloc (09022015). Collection method: clinical testing. Allele origin: germline.
Comment: This sequence change replaces threonine, which is neutral and polar, with proline, which is neutral and non-polar, at codon 2035 of the EYS protein (p.Thr2035Pro). This variant is not present in population databases (gnomAD no frequency). This variant has not been reported in the literature in individuals affected with EYS-related conditions. Advanced modeling of protein sequence and biophysical properties (such as structural, functional, and spatial information, amino acid conservation, physicochemical variation, residue mobility, and thermodynamic stability) has been performed at Invitae for this missense variant, however the output from this modeling did not meet the statistical confidence thresholds required to predict the impact of this variant on EYS protein function. In summary, the available evidence is currently insufficient to determine the role of this variant in disease. Therefore, it has been classified as a Variant of Uncertain Significance.

NM_001142800.2(EYS):c.6103A>C (p.Thr2035Pro)

Gene: EYS (EGF-like photoreceptor maintenance factor; minus strand). Cytogenetic location: 6q12.
Variant type: single nucleotide variant.
Coding change: c.6103A>C on transcript NM_001142800.2 (MANE Select); coding-DNA position 6103, A replaced by C.
Protein change: p.Thr2035Pro; replaces threonine 2035 with proline.
Molecular consequence: missense variant.
Genome position (GRCh38, 1-based): chr6:64,307,058, T>G on the plus strand (A>C on the coding strand, the complement: EYS is on the minus strand). VCF-style: chr6-64307058-T-G. GRCh37 (hg19) VCF-style: chr6-65016951-T-G.
Other names: c.6103A>C, p.Thr2035Pro (NM_001292009.2); short protein forms T2035P.
Identifiers: ClinVar variation 3627309 (VCV003627309.2).
Genomic context (GRCh38, chr6:64,307,058, plus strand): 5'-CTGCCTTGGATGGAATGAAAGATCTCCAGTTATTTATTTCTATAACTTCTATGCAGCCAG[T>G]AAAATTCTTGACTGGTACAGGCATCTGAGAGAGAGAGAGAGAGAGAGAAGTAGAGATAAT-3'
Protein context (NP_001136272.1, residues 2025-2045): IQMPVPVKNF[Thr2035Pro]GCIEVIEINN